The following is an entry in ClinVar:

NM_006565.4(CTCF):c.1024C>T (p.Arg342Cys)

Gene: CTCF (CCCTC-binding factor; plus strand). Cytogenetic location: 16q22.1.
Variant type: single nucleotide variant.
Coding change: c.1024C>T on transcript NM_006565.4 (MANE Select); coding-DNA position 1024, C replaced by T.
Protein change: p.Arg342Cys; replaces arginine 342 with cysteine.
Molecular consequence: missense variant.
Genome position (GRCh38, 1-based): chr16:67,616,816, C>T. VCF-style: chr16-67616816-C-T. GRCh37 (hg19) VCF-style: chr16-67650719-C-T.
Other names: c.40C>T, p.Arg14Cys (NM_001191022.2); c.1024C>T, p.Arg342Cys (NM_001363916.2); short protein forms R342C, R14C.
Identifiers: ClinVar variation 429261 (VCV000429261.15), dbSNP rs1131691283, ClinGen allele CA396312251.

ClinVar aggregate classification (germline): Pathogenic/Likely pathogenic. Review status: criteria provided, multiple submitters, no conflicts (2 of 4 stars). 8 submissions from 8 submitters: Pathogenic (4); Likely pathogenic (3). 1 of the submissions does not count toward it. Last evaluated 2025-11-17.

Conditions:
Autosomal dominant CTCF-related disorders.
Inborn genetic diseases. Identifiers: MedGen C0950123, MeSH D030342.
CTCF-related disorder. Also called: CTCF-related condition. Identifiers: MedGen CN381101.
CTCF-related neurodevelopmental disorder. Also called: INTELLECTUAL DEVELOPMENTAL DISORDER, AUTOSOMAL DOMINANT 21; Intellectual disability-feeding difficulties-developmental delay-microcephaly syndrome. Identifiers: Orphanet 363611, MedGen C3809686, MONDO:0014213, OMIM 615502.

Allele frequency attached by ClinVar (database versions not stated): gnomAD exomes below 0.00001; TOPMed below 0.00001.
gnomAD v4.1: 1 of 1,614,136 alleles (0.000062%); highest among the groups gnomAD compares: Non-Finnish European, 0.000085%; no homozygotes.

Submissions (8):

Variantyx, Inc.
Classification: Likely pathogenic for Autosomal dominant CTCF-related disorders. Last evaluated: 2025-11-17. Review status: criteria provided, single submitter. Criteria: Variantyx Assertion Criteria 2022. Collection method: clinical testing. Allele origin: de novo. Inheritance: Autosomal dominant inheritance. Affected: yes.
Comment: This is a nonsynonymous variant in the CTCF gene (OMIM: 604167). Pathogenic variants in this gene have been associated with autosomal dominant CTCF-related disorder. This variant likely occurred de novo in individuals reported in the published literature; however, the possibility of parental germline mosaicism cannot be excluded (PMID: 31239556, 33004838, 36672771) (PS2). Computational algorithms produce conflicting evidence regarding the predicted functional impact of this variant (REVEL score: 0.559), but an alternate amino acid change at this position (p.Arg342His) has been previously reported in similarly affected individuals, which suggests that this residue is biologically important (PMID: 36454652, 28319062) (PM5). This variant has a 0.0001% maximum allele frequency in non-founder control populations (PM2). . Based on the current evidence, this variant is classified as likely pathogenic for autosomal dominant CTCF-related disorder.

Ambry Genetics
Classification: Pathogenic for Inborn genetic diseases. Last evaluated: 2025-09-22. Review status: criteria provided, single submitter. Criteria: Ambry Variant Classification Scheme 2023. Collection method: clinical testing. Allele origin: germline.
Comment: The c.1024C>T (p.R342C) alteration is located in exon 5 (coding exon 3) of the CTCF gene. This alteration results from a C to T substitution at nucleotide position 1024, causing the arginine (R) at amino acid position 342 to be replaced by a cysteine (C). This variant was not reported in population-based cohorts in the Genome Aggregation Database (gnomAD). This variant was determined to be de novo in at least one individual with features consistent with CTCF-related neurodevelopmental disorder (Konrad, 2019; Wang, 2020; Zhou, 2022). This amino acid position is highly conserved in available vertebrate species. This missense alteration is located in a region that has a low rate of benign missense variation (Lek, 2016; Firth, 2009). The in silico prediction for this alteration is inconclusive. Based on the available evidence, this alteration is classified as pathogenic.

Dasa
Classification: Pathogenic. Last evaluated: 2024-11-04. Review status: criteria provided, single submitter. Criteria: DASA Assertion Criteria. Collection method: clinical testing. Allele origin: germline.
Comment: NM_006565.4(CTCF):c.1024C>T (p.Arg342Cys) is a missense variant that results in the substitution of arginine with cysteine. The affected residue or protein region has prior evidence supporting clinical relevance. De novo occurrence has been reported in an individual with related phenotype. Functional evidence supports a deleterious effect on the gene or gene product (PMID: 31239556). This variant has been reported in individuals with related phenotype (PMID: 31239556). Multiple computational predictions support a deleterious effect on the gene or gene product. The variant is present at low frequency in population datasets. Based on the available data, this variant is classified as pathogenic.

PreventionGenetics, part of Exact Sciences
Classification: Likely pathogenic for CTCF-related condition. Last evaluated: 2022-08-31. Review status: criteria provided, single submitter. Criteria: ACMG Guidelines, 2015. Collection method: clinical testing. Allele origin: germline.
Comment: The CTCF c.1024C>T variant is predicted to result in the amino acid substitution p.Arg342Cys. This variant has been reported with de novo occurrence in at least three individuals with neurodevelopmental disorders (Konrad et al 2019. PubMed ID: 31239556; Wang T et al 2020. PubMed ID: 33004838 supp data 5). This variant has not been reported in a large population database, indicating it is rare. This variant is interpreted as likely pathogenic.

GeneDx
Classification: Pathogenic. Last evaluated: 2022-05-13. Review status: criteria provided, single submitter. Criteria: GeneDx Variant Classification Process June 2021. Collection method: clinical testing. Allele origin: germline. Affected: yes.
Comment: Not observed in large population cohorts (gnomAD); In silico analysis supports that this missense variant has a deleterious effect on protein structure/function; This variant is associated with the following publications: (PMID: 33004838, 31239556, 23636398, 30275357)

Institute of Human Genetics, University of Leipzig Medical Center
Classification: Pathogenic for CTCF-related neurodevelopmental disorder. Last evaluated: 2019-12-21. Review status: criteria provided, single submitter. Criteria: ACMG Guidelines, 2015. Collection method: clinical testing. Allele origin: de novo.

Clinical Genetics and Genomics, Karolinska University Hospital
Classification: Likely pathogenic. Last evaluated: 2018-05-07. Review status: criteria provided, single submitter. Criteria: ACMG Guidelines, 2015. Collection method: clinical testing. Allele origin: germline. Affected: yes. Observed: 1 variant allele.

Genomic Medicine Center of Excellence, King Faisal Specialist Hospital and Research Centre
Classification: Uncertain significance for CTCF-related neurodevelopmental disorder. Last evaluated: 2024-03-25. Review status: flagged submission. Criteria: ACMG Guidelines, 2015. Collection method: research. Allele origin: germline. Not counted in ClinVar's aggregate classification.
ClinVar note: Reason: Outlier claim with insufficient supporting evidence

Literature cited by the submitters: PubMed 31239556 (cited by 4 submitters); PubMed 33004838 (cited by Variantyx, Inc. and Ambry Genetics); PubMed 36672771 (cited by Variantyx, Inc.); PubMed 35982159 (cited by Ambry Genetics).